The following is an entry in ClinVar:

NM_020297.4(ABCC9):c.3670-5_3670-4insTTCTCTTGCTTTTTCTTTTTTTTTTTTTTTTTTTTNNNNNNNNNNTGACCTCATGATCCACCCGCCTCGGCCTCCCAAAGTGCTGGGATTACAGGCGTGAGCCACCGCGCCCGGCC

Genes: ABCC9 (ATP binding cassette subfamily C member 9; minus strand), KCNJ8-AS1 (KCNJ8 antisense RNA 1; plus strand). Cytogenetic location: 12p12.1.
Variant type: Insertion.
Coding change: c.3670-5_3670-4insTTCTCTTGCTTTTTCTTTTTTTTTTTTTTTTTTTTNNNNNNNNNNTGACCTCATGATCCACCCGCCTCGGCCTCCCAAAGTGCTGGGATTACAGGCGTGAGCCACCGCGCCCGGCC on transcript NM_020297.4 (MANE Select); 5 bases into the intron before coding-DNA position 3670 through 4 bases into the intron before coding-DNA position 3670, TTCTCTTGCTTTTTCTTTTTTTTTTTTTTTTTTTTNNNNNNNNNNTGACCTCATGATCCACCCGCCTCGGCCTCCCAAAGTGCTGGGATTACAGGCGTGAGCCACCGCGCCCGGCC inserted.
Molecular consequence: intron variant.
Genome position: GRCh38: chr12:21,818,270-21,818,271. GRCh37 (hg19): chr12:21,971,204-21,971,205.
Other names: c.2803-5_2803-4insTTCTCTTGCTTTTTCTTTTTTTTTTTTTTTTTTTTNNNNNNNNNNTGACCTCATGATCCACCCGCCTCGGCCTCCCAAAGTGCTGGGATTACAGGCGTGAGCCACCGCGCCCGGCC (NM_001377274.1); c.3670-5_3670-4insTTCTCTTGCTTTTTCTTTTTTTTTTTTTTTTTTTTNNNNNNNNNNTGACCTCATGATCCACCCGCCTCGGCCTCCCAAAGTGCTGGGATTACAGGCGTGAGCCACCGCGCCCGGCC (NM_005691.4, NM_001377273.1).
Identifiers: ClinVar variation 4734525 (VCV004734525.1).

ClinVar aggregate classification (germline): Uncertain significance (1 of 4 stars; one submission).

Conditions:
Dilated cardiomyopathy 1O (CMD1O). Also called: CARDIOMYOPATHY, DILATED, WITH VENTRICULAR TACHYCARDIA. Identifiers: Orphanet 154, MedGen C1837839, MONDO:0012062, OMIM 608569.

Submission:

Labcorp Genetics (formerly Invitae), Labcorp
Classification: Uncertain significance for Dilated cardiomyopathy 1O. Last evaluated: 2025-12-31. Review status: criteria provided, single submitter. Criteria: Invitae Variant Classification Sherloc (09022015). Collection method: clinical testing. Allele origin: germline.
Comment: This sequence change falls in intron 29 of the ABCC9 gene. It does not directly change the encoded amino acid sequence of the ABCC9 protein. This variant is not present in population databases (gnomAD no frequency). This variant has not been reported in the literature in individuals affected with ABCC9-related conditions. Experimental studies and prediction algorithms are not available or were not evaluated, and the effect of this variant on mRNA splicing is currently unknown. In summary, the available evidence is currently insufficient to determine the role of this variant in disease. Therefore, it has been classified as a Variant of Uncertain Significance.